The following is an entry in ClinVar:

ClinVar aggregate classification (germline): Uncertain significance (1 of 4 stars; one submission).

Conditions:
Infantile spasms. Also called: Infantile spasm. Identifiers: MedGen C3887898, HP:0012469.

Allele frequency attached by ClinVar (database versions not stated): gnomAD exomes below 0.00001 and 0.00001; ExAC 0.00001.
gnomAD v4.1: 2 of 1,603,430 alleles (0.00012%); highest among the groups gnomAD compares: Admixed American, 0.0035%; no homozygotes.

Submission:

Labcorp Genetics (formerly Invitae), Labcorp
Classification: Uncertain significance for Infantile spasms. Last evaluated: 2021-09-08. Review status: criteria provided, single submitter. Criteria: Invitae Variant Classification Sherloc (09022015). Collection method: clinical testing. Allele origin: germline.
Comment: This sequence change replaces serine with leucine at codon 785 of the PIK3AP1 protein (p.Ser785Leu). The serine residue is moderately conserved and there is a large physicochemical difference between serine and leucine. This variant is present in population databases (rs769596130, ExAC 0.009%). This variant has not been reported in the literature in individuals affected with PIK3AP1-related conditions. Algorithms developed to predict the effect of missense changes on protein structure and function are either unavailable or do not agree on the potential impact of this missense change (SIFT: "Tolerated"; PolyPhen-2: "Probably Damaging"; Align-GVGD: "Class C0"). In summary, the available evidence is currently insufficient to determine the role of this variant in disease. Therefore, it has been classified as a Variant of Uncertain Significance.

NM_152309.3(PIK3AP1):c.2354C>T (p.Ser785Leu)

Gene: PIK3AP1 (phosphoinositide-3-kinase adaptor protein 1; minus strand). Cytogenetic location: 10q24.1.
Variant type: single nucleotide variant.
Coding change: c.2354C>T on transcript NM_152309.3 (MANE Select); coding-DNA position 2354, C replaced by T.
Protein change: p.Ser785Leu; replaces serine 785 with leucine.
Molecular consequence: missense variant.
Genome position (GRCh38, 1-based): chr10:96,602,286, G>A on the plus strand (C>T on the coding strand, the complement: PIK3AP1 is on the minus strand). VCF-style: chr10-96602286-G-A. GRCh37 (hg19) VCF-style: chr10-98362043-G-A.
Other names: short protein forms S785L.
Identifiers: ClinVar variation 847053 (VCV000847053.7), dbSNP rs769596130, ClinGen allele CA5625993.